The following is an entry in ClinVar:

ClinVar aggregate classification (germline): Uncertain significance (1 of 4 stars; one submission).

Conditions:
Inborn genetic diseases. Identifiers: MedGen C0950123, MeSH D030342.

Submission:

Ambry Genetics
Classification: Uncertain significance for Inborn genetic diseases. Last evaluated: 2026-08-25. Review status: criteria provided, single submitter. Criteria: Ambry Variant Classification Scheme 2023. Collection method: clinical testing. Allele origin: germline.
Comment: The p.R985P variant (also known as c.2954G>C), located in coding exon 13 of the BMPR2 gene, results from a G to C substitution at nucleotide position 2954. The arginine at codon 985 is replaced by proline, an amino acid with dissimilar properties. This amino acid position is conserved. In addition, this alteration is predicted to be deleterious by in silico analysis. Based on the available evidence, the clinical significance of this variant remains unclear.

NM_001204.7(BMPR2):c.2954G>C (p.Arg985Pro)

Gene: BMPR2 (bone morphogenetic protein receptor type 2; plus strand). Cytogenetic location: 2q33.2.
Variant type: single nucleotide variant.
Coding change: c.2954G>C on transcript NM_001204.7 (MANE Select); coding-DNA position 2954, G replaced by C.
Protein change: p.Arg985Pro; replaces arginine 985 with proline.
Molecular consequence: missense variant.
Genome position (GRCh38, 1-based): chr2:202,559,783, G>C. VCF-style: chr2-202559783-G-C. GRCh37 (hg19) VCF-style: chr2-203424506-G-C.
Other names: short protein forms R985P.
Identifiers: ClinVar variation 5033126 (VCV005033126.1).